The following is an entry in ClinVar:

ClinVar aggregate classification (germline): Benign/Likely benign. Review status: criteria provided, multiple submitters, no conflicts (2 of 4 stars). 4 submissions from 4 submitters: Benign (1); Likely benign (3). Last evaluated 2026-01-24.

Conditions:
Fraser syndrome 1 (FRASRS1). Also called: CRYPTOPHTHALMOS WITH OTHER MALFORMATIONS. Identifiers: Orphanet 2052, MedGen C4551480, MONDO:0054737, OMIM 219000.

Allele frequency attached by ClinVar (database versions not stated): gnomAD exomes 0.00035 and 0.00090; gnomAD 0.00045 and 0.00055; ESP Exome Variant Server 0.00048; TOPMed 0.00066; ExAC 0.00093; 1000 Genomes Project 30x 0.00172; 1000 Genomes Project 0.00200.
gnomAD v4.1: 615 of 1,613,794 alleles (0.038%); highest among the groups gnomAD compares: East Asian, 0.56%; 3 homozygotes.

Submissions (4):

Labcorp Genetics (formerly Invitae), Labcorp
Classification: Benign. Last evaluated: 2026-01-24. Review status: criteria provided, single submitter. Criteria: Invitae Variant Classification Sherloc (09022015). Collection method: clinical testing. Allele origin: germline.

Blueprint Genetics
Classification: Likely benign. Last evaluated: 2024-11-20. Review status: criteria provided, single submitter. Criteria: ACMG Guidelines, 2015. Collection method: clinical testing. Allele origin: germline.

CeGaT Center for Human Genetics Tuebingen
Classification: Likely benign. Last evaluated: 2022-10-01. Review status: criteria provided, single submitter. Criteria: CeGaT Center For Human Genetics Tuebingen Variant Classification Criteria Version 2. Collection method: clinical testing. Allele origin: germline. Affected: yes. Observed: 1 variant allele.
Comment: FRAS1: BP4, BP7

Illumina Laboratory Services, Illumina
Classification: Likely benign for Fraser syndrome 1. Last evaluated: 2018-01-13. Review status: criteria provided, single submitter. Criteria: ICSL Variant Classification Criteria 13 December 2019. Collection method: clinical testing. Allele origin: germline.
Comment: This variant was observed in the ICSL laboratory as part of a predisposition screen in an ostensibly healthy population. It had not been previously curated by ICSL or reported in the Human Gene Mutation Database (HGMD: prior to June 1st, 2018), and was therefore a candidate for classification through an automated scoring system. Utilizing variant allele frequency, disease prevalence and penetrance estimates, and inheritance mode, an automated score was calculated to assess if this variant is too frequent to cause the disease. Based on the score and internal cut-off values, a variant classified as likely benign is not then subjected to further curation. The score for this variant resulted in a classification of likely benign for this disease.

NM_025074.7(FRAS1):c.10077G>A (p.Pro3359=)

Gene: FRAS1 (Fraser extracellular matrix complex subunit 1; plus strand). Cytogenetic location: 4q21.21.
Variant type: single nucleotide variant.
Coding change: c.10077G>A on transcript NM_025074.7 (MANE Select); coding-DNA position 10077, G replaced by A.
Protein change: p.Pro3359=; no amino-acid change (proline 3359 retained).
Molecular consequence: synonymous variant.
Genome position (GRCh38, 1-based): chr4:78,513,455, G>A. VCF-style: chr4-78513455-G-A. GRCh37 (hg19) VCF-style: chr4-79434609-G-A.
Identifiers: ClinVar variation 705367 (VCV000705367.38), dbSNP rs183724131, ClinGen allele CA2978856.